The following is an entry in ClinVar:

NM_004006.3(DMD):c.1705-18T>G

Gene: DMD (dystrophin; minus strand). Cytogenetic location: Xp21.1.
Variant type: single nucleotide variant.
Coding change: c.1705-18T>G on transcript NM_004006.3 (MANE Select); 18 bases into the intron before coding-DNA position 1705, T replaced by G.
Molecular consequence: intron variant.
Genome position (GRCh38, 1-based): chrX:32,573,655, A>C on the plus strand (T>G on the coding strand, the complement: DMD is on the minus strand). VCF-style: chrX-32573655-A-C. GRCh37 (hg19) VCF-style: chrX-32591772-A-C.
Other names: c.1681-18T>G (NM_000109.4); c.1693-18T>G (NM_004009.3); c.1336-18T>G (NM_004010.3).
Identifiers: ClinVar variation 1475224 (VCV001475224.6), dbSNP rs2149137321, ClinGen allele CA2573158834.

ClinVar aggregate classification (germline): Uncertain significance. Review status: criteria provided, multiple submitters, no conflicts (2 of 4 stars). 2 submissions from 2 submitters: Uncertain significance (2). Last evaluated 2022-05-21.

Conditions:
Duchenne muscular dystrophy (DMD). Also called: Duchenne Muscular Dystrophy (DMD); MUSCULAR DYSTROPHY, PSEUDOHYPERTROPHIC PROGRESSIVE, DUCHENNE TYPE. Identifiers: Orphanet 98896, MedGen C0013264, MONDO:0010679, OMIM 310200.

Submissions (2):

Labcorp Genetics (formerly Invitae), Labcorp
Classification: Uncertain significance for Duchenne muscular dystrophy. Last evaluated: 2022-05-21. Review status: criteria provided, single submitter. Criteria: Invitae Variant Classification Sherloc (09022015). Collection method: clinical testing. Allele origin: germline.
Comment: This sequence change falls in intron 14 of the DMD gene. It does not directly change the encoded amino acid sequence of the DMD protein. This variant is not present in population databases (gnomAD no frequency). This variant has not been reported in the literature in individuals affected with DMD-related conditions. Algorithms developed to predict the effect of sequence changes on RNA splicing suggest that this variant may disrupt the consensus splice site. In summary, the available evidence is currently insufficient to determine the role of this variant in disease. Therefore, it has been classified as a Variant of Uncertain Significance.

3billion
Classification: Uncertain significance for Duchenne muscular dystrophy. Last evaluated: 2022-03-22. Review status: criteria provided, single submitter. Criteria: ACMG Guidelines, 2015. Collection method: clinical testing. Allele origin: germline. Affected: yes. Observed: 1 hemizygote.
Comment: The variant is not observed in the gnomAD v2.1.1 dataset. Therefore, this variant is classified as uncertain significance according to the recommendation of ACMG/AMP guideline.